The following is an entry in ClinVar:

NC_000012.11:g.(?_48238529)_(48539491_?)del

Genes: COL2A1 (collagen type II alpha 1 chain; minus strand), PFKM (phosphofructokinase, muscle; plus strand), SENP1 (SUMO specific peptidase 1; minus strand), TMEM106C (transmembrane protein 106C; plus strand), VDR (vitamin D receptor; minus strand). Cytogenetic location: 12q13.11.
Variant type: Deletion.
Identifiers: ClinVar variation 3244373 (VCV003244373.1).

ClinVar aggregate classification (germline): Pathogenic (1 of 4 stars; one submission).

Submission:

Labcorp Genetics (formerly Invitae), Labcorp
Classification: Pathogenic. Last evaluated: 2024-01-25. Review status: criteria provided, single submitter. Criteria: Invitae Variant Classification Sherloc (09022015). Collection method: clinical testing. Allele origin: unknown.
Comment: A gross deletion of the genomic region encompassing the full coding sequence of the COL2A1 gene has been identified. Loss-of-function variants in COL2A1 are known to be pathogenic (PMID: 20179744). The boundaries of this event are unknown as they extend beyond the assayed region for this gene and therefore may encompass additional genes. A similar copy number variant has been observed in individual(s) with autosomal dominant Stickler syndrome (PMID: 12204008). It has also been observed to segregate with disease in related individuals. For these reasons, this variant has been classified as Pathogenic.

Literature cited by the submitters: PubMed 20179744; PubMed 12204008.